The following is an entry in ClinVar:

NM_001148.6(ANK2):c.1364C>G (p.Ala455Gly)

Gene: ANK2 (ankyrin 2; plus strand). Cytogenetic location: 4q26.
Variant type: single nucleotide variant.
Coding change: c.1364C>G on transcript NM_001148.6 (MANE Select); coding-DNA position 1364, C replaced by G.
Protein change: p.Ala455Gly; replaces alanine 455 with glycine.
Molecular consequence: missense variant. On other transcripts: intron variant (5).
Genome position (GRCh38, 1-based): chr4:113,258,389, C>G. VCF-style: chr4-113258389-C-G. GRCh37 (hg19) VCF-style: chr4-114179545-C-G.
Other names: c.1301C>G, p.Ala434Gly (NM_001127493.3, NM_001354239.2, NM_001354243.2 and 14 more transcripts); c.1364C>G, p.Ala455Gly (NM_001354225.2, NM_001354228.2, NM_001354232.2 and 8 more transcripts); c.1409C>G, p.Ala470Gly (NM_001354230.2, NM_001354231.2, NM_001354237.2 and 5 more transcripts); c.1277C>G, p.Ala426Gly (NM_001354249.2, NM_001354260.2, NM_001354264.2 and 13 more transcripts); c.1322C>G, p.Ala441Gly (NM_001354261.2, NM_001386147.1, NM_001386160.1); c.1352C>G, p.Ala451Gly (NM_001386148.2, NM_001386186.2); c.1415C>G, p.Ala472Gly (NM_001386174.1); c.1391C>G, p.Ala464Gly (NM_001386175.1); and 4 more; short protein forms A443G, A451G, A455G, A470G, A426G, A441G, A464G, A434G.
Identifiers: ClinVar variation 1810486 (VCV001810486.1), dbSNP rs1305931806, ClinGen allele CA357928046.

ClinVar aggregate classification (germline): Uncertain significance (1 of 4 stars; one submission).

Submission:

GeneDx
Classification: Uncertain significance. Last evaluated: 2022-07-05. Review status: criteria provided, single submitter. Criteria: GeneDx Variant Classification Process June 2021. Collection method: clinical testing. Allele origin: germline. Affected: yes.
Comment: Not observed at significant frequency in large population cohorts (gnomAD); In silico analysis supports that this missense variant has a deleterious effect on protein structure/function; Has not been previously published as pathogenic or benign to our knowledge